The following is an entry in ClinVar:

ClinVar aggregate classification (germline): Conflicting classifications of pathogenicity. Review status: criteria provided, conflicting classifications (1 of 4 stars). 3 submissions from 3 submitters: Uncertain significance (1); Likely benign (2). Last evaluated 2024-07-01.

Conditions:
Cardiovascular phenotype. Identifiers: MedGen CN230736.
Primary dilated cardiomyopathy (DCM). Also called: Dilated Cardiomyopathy. Identifiers: Orphanet 217604, MedGen C0007193, MeSH D002311, MONDO:0005021, HP:0001644. Inheritance: Various modes of inheritance.

Allele frequency attached by ClinVar (database versions not stated): gnomAD 0.00001 and 0.00002; gnomAD exomes 0.00002; TOPMed 0.00002.
gnomAD v4.1: 18 of 1,613,258 alleles (0.0011%); highest among the groups gnomAD compares: African/African-American, 0.0093%; no homozygotes.

Submissions (3):

Labcorp Genetics (formerly Invitae), Labcorp
Classification: Likely benign for Primary dilated cardiomyopathy. Last evaluated: 2024-07-01. Review status: criteria provided, single submitter. Criteria: Invitae Variant Classification Sherloc (09022015). Collection method: clinical testing. Allele origin: germline.

GeneDx
Classification: Uncertain significance. Last evaluated: 2020-10-19. Review status: criteria provided, single submitter. Criteria: GeneDx Variant Classification Process June 2021. Collection method: clinical testing. Allele origin: germline. Affected: yes.
Comment: Has not been previously published as pathogenic or benign to our knowledge; In silico analysis, which includes splice predictors and evolutionary conservation, suggests this variant may impact gene splicing. In the absence of RNA/functional studies, the actual effect of this sequence change is unknown.

Ambry Genetics
Classification: Likely benign for Cardiovascular phenotype. Last evaluated: 2020-01-24. Review status: criteria provided, single submitter. Criteria: Ambry Variant Classification Scheme 2023. Collection method: clinical testing. Allele origin: germline.

NM_006440.5(TXNRD2):c.1152C>T (p.Gly384=)

Gene: TXNRD2 (thioredoxin reductase 2; minus strand). Cytogenetic location: 22q11.21.
Variant type: single nucleotide variant.
Coding change: c.1152C>T on transcript NM_006440.5 (MANE Select); coding-DNA position 1152, C replaced by T.
Protein change: p.Gly384=; no amino-acid change (glycine 384 retained).
Molecular consequence: synonymous variant. On other transcripts: non-coding transcript variant (1).
Genome position (GRCh38, 1-based): chr22:19,880,652, G>A on the plus strand (C>T on the coding strand, the complement: TXNRD2 is on the minus strand). VCF-style: chr22-19880652-G-A. GRCh37 (hg19) VCF-style: chr22-19868175-G-A.
Other names: c.1149C>T, p.Gly383= (NM_001352300.2); c.1062C>T, p.Gly354= (NM_001352301.2); c.864C>T, p.Gly288= (NM_001352302.2).
Identifiers: ClinVar variation 856216 (VCV000856216.13), dbSNP rs766934707, ClinGen allele CA322092395.
Genomic context (GRCh38, chr22:19,880,652, plus strand): 5'-CTGCACGTGGCGTCCTGCTAGAGAACTCACATTGTCGTAGTCCATCAGATCTGAGGACCC[G>A]CCGAAGAGCCGCTGCACCAGGAGCCTCCCGGCCATGATCGCTATGGGTGTCAGCTCAGGC-3'
Protein context (NP_006431.2, residues 374-394): AGRLLVQRLF[Gly384=]GSSDLMDYDN